The following is an entry in ClinVar:

ClinVar aggregate classification (germline): Uncertain significance. Review status: criteria provided, multiple submitters, no conflicts (2 of 4 stars). 2 submissions from 2 submitters: Uncertain significance (2). Last evaluated 2023-05-11.

Allele frequency attached by ClinVar (database versions not stated): ExAC 0.00017.
gnomAD v4.1: 214 of 1,550,612 alleles (0.014%); highest among the groups gnomAD compares: Middle Eastern, 0.17%; no homozygotes.

Submissions (2):

Labcorp Genetics (formerly Invitae), Labcorp
Classification: Uncertain significance. Last evaluated: 2023-05-11. Review status: criteria provided, single submitter. Criteria: Invitae Variant Classification Sherloc (09022015). Collection method: clinical testing. Allele origin: germline.
Comment: This sequence change replaces lysine, which is basic and polar, with asparagine, which is neutral and polar, at codon 377 of the CCDC141 protein (p.Lys377Asn). This variant is present in population databases (rs776462842, gnomAD 0.09%), and has an allele count higher than expected for a pathogenic variant. This variant has not been reported in the literature in individuals affected with CCDC141-related conditions. An algorithm developed to predict the effect of missense changes on protein structure and function (PolyPhen-2) suggests that this variant is likely to be disruptive. In summary, the available evidence is currently insufficient to determine the role of this variant in disease. Therefore, it has been classified as a Variant of Uncertain Significance.

Ambry Genetics
Classification: Uncertain significance. Last evaluated: 2021-10-12. Review status: criteria provided, single submitter. Criteria: Ambry Variant Classification Scheme 2023. Collection method: clinical testing. Allele origin: germline.

NM_173648.4(CCDC141):c.1131G>T (p.Lys377Asn)

Gene: CCDC141 (coiled-coil domain containing 141; minus strand). Cytogenetic location: 2q31.2.
Variant type: single nucleotide variant.
Coding change: c.1131G>T on transcript NM_173648.4 (MANE Select); coding-DNA position 1131, G replaced by T.
Protein change: p.Lys377Asn; replaces lysine 377 with asparagine.
Molecular consequence: missense variant.
Genome position (GRCh38, 1-based): chr2:178,905,463, C>A on the plus strand (G>T on the coding strand, the complement: CCDC141 is on the minus strand). VCF-style: chr2-178905463-C-A. GRCh37 (hg19) VCF-style: chr2-179770190-C-A.
Other names: c.1131G>T (NM_173648.3); c.1131G>T, p.Lys377Asn (NM_001316745.2); short protein forms K377N.
Identifiers: ClinVar variation 2708024 (VCV002708024.4), dbSNP rs776462842, ClinGen allele CA2007276.